The following is an entry in ClinVar:

ClinVar aggregate classification (germline): Uncertain significance (1 of 4 stars; one submission).

gnomAD v4.1: 2 of 1,613,978 alleles (0.00012%); highest among the groups gnomAD compares: Non-Finnish European, 0.00017%; no homozygotes.

Submission:

Labcorp Genetics (formerly Invitae), Labcorp
Classification: Uncertain significance. Last evaluated: 2022-06-11. Review status: criteria provided, single submitter. Criteria: Invitae Variant Classification Sherloc (09022015). Collection method: clinical testing. Allele origin: germline.
Comment: This sequence change replaces alanine, which is neutral and non-polar, with serine, which is neutral and polar, at codon 172 of the ERCC2 protein (p.Ala172Ser). In summary, the available evidence is currently insufficient to determine the role of this variant in disease. Therefore, it has been classified as a Variant of Uncertain Significance. Algorithms developed to predict the effect of missense changes on protein structure and function output the following: SIFT: "Tolerated"; PolyPhen-2: "Benign"; Align-GVGD: "Class C0". The serine amino acid residue is found in multiple mammalian species, which suggests that this missense change does not adversely affect protein function. This variant has not been reported in the literature in individuals affected with ERCC2-related conditions. This variant is present in population databases (no rsID available, gnomAD 0.007%).

NM_000400.4(ERCC2):c.514G>T (p.Ala172Ser)

Gene: ERCC2 (ERCC excision repair 2, TFIIH core complex helicase subunit; minus strand). Cytogenetic location: 19q13.32.
Variant type: single nucleotide variant.
Coding change: c.514G>T on transcript NM_000400.4 (MANE Select); coding-DNA position 514, G replaced by T.
Protein change: p.Ala172Ser; replaces alanine 172 with serine.
Molecular consequence: missense variant.
Genome position (GRCh38, 1-based): chr19:45,364,918, C>A on the plus strand (G>T on the coding strand, the complement: ERCC2 is on the minus strand). VCF-style: chr19-45364918-C-A. GRCh37 (hg19) VCF-style: chr19-45868176-C-A.
Other names: c.442G>T, p.Ala148Ser (NM_001130867.2); short protein forms A148S, A172S.
Identifiers: ClinVar variation 2004919 (VCV002004919.4), dbSNP rs559154781, ClinGen allele CA406375750.